The following is an entry in ClinVar:

ClinVar aggregate classification (germline): Conflicting classifications of pathogenicity. Review status: criteria provided, conflicting classifications (1 of 4 stars). 9 submissions from 9 submitters: Uncertain significance (1); Benign (6); Likely benign (2). Last evaluated 2026-06-01.

Conditions:
Hereditary spastic paraplegia. Also called: Familial spastic paraparesis. Identifiers: Orphanet 685, MedGen C0037773, MONDO:0019064. Disease mechanism: loss of function.
Inborn genetic diseases. Identifiers: MedGen C0950123, MeSH D030342.
Neuropathy, hereditary sensory, type 2C. Also called: Hereditary sensory and autonomic neuropathy type IIC; KIF1A-Related HSAN2 (HSAN2C). Identifiers: Orphanet 970, MedGen C3280168, MONDO:0013634, OMIM 614213.
Hereditary spastic paraplegia 30. Identifiers: Orphanet 101010, MedGen C5235139, MONDO:0012476.
Intellectual disability, autosomal dominant 9 (NESCAVS). Also called: NESCAV SYNDROME; KIF1A-Related Neurodevelopmental Disorder. Identifiers: Orphanet 662367, MedGen C5393830, MONDO:0013656, OMIM 614255.

Allele frequency attached by ClinVar (database versions not stated): ESP Exome Variant Server 0.00008; gnomAD 0.00021 and 0.00072; TOPMed 0.00023; gnomAD exomes 0.00091 and 0.00180; ExAC 0.00242; 1000 Genomes Project 30x 0.00468; 1000 Genomes Project 0.00479.
gnomAD v4.1: 1,436 of 1,604,988 alleles (0.089%); highest among the groups gnomAD compares: South Asian, 1.3%; 19 homozygotes.

Submissions (9):

CeGaT Center for Human Genetics Tuebingen
Classification: Benign. Last evaluated: 2026-06-01. Review status: criteria provided, single submitter. Criteria: CeGaT Center For Human Genetics Tuebingen Variant Classification Criteria Version 2. Collection method: clinical testing. Allele origin: germline. Affected: yes. Observed: 3 variant alleles.
Comment: KIF1A: BP4, BP7, BS1, BS2

Labcorp Genetics (formerly Invitae), Labcorp
Classification: Benign for Hereditary spastic paraplegia 30; Neuropathy, hereditary sensory, type 2C; Intellectual disability, autosomal dominant 9. Last evaluated: 2026-02-03. Review status: criteria provided, single submitter. Criteria: Invitae Variant Classification Sherloc (09022015). Collection method: clinical testing. Allele origin: germline.

Athena Diagnostics
Classification: Benign. Last evaluated: 2020-11-25. Review status: criteria provided, single submitter. Criteria: Athena Diagnostics criteria. Collection method: clinical testing. Allele origin: unknown.

Illumina Laboratory Services, Illumina
Classification: Likely benign for Spastic paraplegia 30A, autosomal dominant. Last evaluated: 2018-01-13. Review status: criteria provided, single submitter. Criteria: ICSL Variant Classification Criteria 13 December 2019. Collection method: clinical testing. Allele origin: germline.
Comment: This variant was observed in the ICSL laboratory as part of a predisposition screen in an ostensibly healthy population. It had not been previously curated by ICSL or reported in the Human Gene Mutation Database (HGMD: prior to June 1st, 2018), and was therefore a candidate for classification through an automated scoring system. Utilizing variant allele frequency, disease prevalence and penetrance estimates, and inheritance mode, an automated score was calculated to assess if this variant is too frequent to cause the disease. Based on the score and internal cut-off values, a variant classified as likely benign is not then subjected to further curation. The score for this variant resulted in a classification of likely benign for this disease.

Genome Diagnostics Laboratory, The Hospital for Sick Children
Classification: Likely benign for Hereditary spastic paraplegia. Last evaluated: 2018-01-01. Review status: criteria provided, single submitter. Criteria: ACMG Guidelines, 2015. Collection method: clinical testing. Allele origin: germline. Affected: yes.

Ambry Genetics
Classification: Benign for Inborn genetic diseases. Last evaluated: 2017-04-20. Review status: criteria provided, single submitter. Criteria: Ambry Variant Classification Scheme 2023. Collection method: clinical testing. Allele origin: germline.

GeneDx
Classification: Benign. Last evaluated: 2017-03-16. Review status: criteria provided, single submitter. Criteria: GeneDx Variant Classification (06012015). Collection method: clinical testing. Allele origin: germline. Affected: yes.
Comment: This variant is considered likely benign or benign based on one or more of the following criteria: it is a conservative change, it occurs at a poorly conserved position in the protein, it is predicted to be benign by multiple in silico algorithms, and/or has population frequency not consistent with disease.

Eurofins Ntd Llc (ga)
Classification: Benign. Last evaluated: 2015-11-19. Review status: criteria provided, single submitter. Criteria: EGL Classification Definitions 2015. Collection method: clinical testing. Allele origin: germline. Observed: 1 variant allele, 1 heterozygote.

Genetic Services Laboratory, University of Chicago
Classification: Uncertain significance. Last evaluated: 2015-06-24. Review status: criteria provided, single submitter. Criteria: ACMG Guidelines, 2015. Collection method: clinical testing. Allele origin: germline.

NM_001244008.2(KIF1A):c.2475C>T (p.Tyr825=)

Gene: KIF1A (kinesin family member 1A; minus strand). Cytogenetic location: 2q37.3.
Variant type: single nucleotide variant.
Coding change: c.2475C>T on transcript NM_001244008.2 (MANE Select); coding-DNA position 2475, C replaced by T.
Protein change: p.Tyr825=; no amino-acid change (tyrosine 825 retained).
Molecular consequence: synonymous variant.
Genome position (GRCh38, 1-based): chr2:240,758,467, G>A on the plus strand (C>T on the coding strand, the complement: KIF1A is on the minus strand). VCF-style: chr2-240758467-G-A. GRCh37 (hg19) VCF-style: chr2-241697884-G-A.
Other names: c.2475C>T, p.Tyr825= (NM_001320705.2, NM_001330289.2, NM_001379638.1); c.2550C>T, p.Tyr850= (NM_001330290.2, NM_001379631.1, NM_001379634.1 and 2 more transcripts); c.2448C>T, p.Tyr816= (NM_001379632.1, NM_001379633.1, NM_001379636.1 and 10 more transcripts); c.2523C>T, p.Tyr841= (NM_001379637.1, NM_001379648.1).
Identifiers: ClinVar variation 211278 (VCV000211278.54), dbSNP rs199996308, ClinGen allele CA208640.